The following is an entry in ClinVar:

NM_017646.6(TRIT1):c.623C>T (p.Thr208Met)

Gene: TRIT1 (tRNA isopentenyltransferase 1; minus strand). Cytogenetic location: 1p34.2.
Variant type: single nucleotide variant.
Coding change: c.623C>T on transcript NM_017646.6 (MANE Select); coding-DNA position 623, C replaced by T.
Protein change: p.Thr208Met; replaces threonine 208 with methionine.
Molecular consequence: missense variant.
Genome position (GRCh38, 1-based): chr1:39,850,199, G>A on the plus strand (C>T on the coding strand, the complement: TRIT1 is on the minus strand). VCF-style: chr1-39850199-G-A. GRCh37 (hg19) VCF-style: chr1-40315871-G-A.
Other names: p.Thr208Met; c.623C>T, p.Thr208Met (NM_001312691.2); c.383C>T, p.Thr128Met (NM_001312692.2); short protein forms T208M, T128M.
Identifiers: ClinVar variation 774796 (VCV000774796.36), dbSNP rs34889376, ClinGen allele CA788049.

ClinVar aggregate classification (germline): Benign/Likely benign. Review status: criteria provided, multiple submitters, no conflicts (2 of 4 stars). 4 submissions from 4 submitters: Benign (3); Likely benign (1). Last evaluated 2026-07-01.

Conditions:
TRIT1-related disorder. Also called: TRIT1-related condition.

Allele frequency attached by ClinVar (database versions not stated): 1000 Genomes Project 0.00260; 1000 Genomes Project 30x 0.00297; TOPMed 0.00461; ESP Exome Variant Server 0.00600; gnomAD 0.00676 and 0.00704; gnomAD exomes 0.00729 and 0.00733; ExAC 0.00737.
gnomAD v4.1: 11,601 of 1,614,038 alleles (0.72%); highest among the groups gnomAD compares: Non-Finnish European, 0.77%; 59 homozygotes.

Submissions (4):

CeGaT Center for Human Genetics Tuebingen
Classification: Likely benign. Last evaluated: 2026-07-01. Review status: criteria provided, single submitter. Criteria: CeGaT Center For Human Genetics Tuebingen Variant Classification Criteria Version 2. Collection method: clinical testing. Allele origin: germline. Affected: yes. Observed: 20 variant alleles.
Comment: TRIT1: BP4, BS2

PreventionGenetics, part of Exact Sciences
Classification: Benign for TRIT1-related condition. Last evaluated: 2026-03-05. Review status: criteria provided, single submitter. Criteria: ACMG Guidelines, 2015. Collection method: clinical testing. Allele origin: germline.
Comment: This variant is classified as benign based on ACMG/AMP sequence variant interpretation guidelines (Richards et al. 2015 PMID: 25741868, with internal and published modifications).

Labcorp Genetics (formerly Invitae), Labcorp
Classification: Benign. Last evaluated: 2026-01-26. Review status: criteria provided, single submitter. Criteria: Invitae Variant Classification Sherloc (09022015). Collection method: clinical testing. Allele origin: germline.

Mayo Clinic Laboratories, Mayo Clinic
Classification: Benign. Last evaluated: 2024-12-17. Review status: criteria provided, single submitter. Criteria: ACMG Guidelines, 2015. Collection method: clinical testing. Allele origin: germline. Observed: 3 variant alleles.
Comment: BA1, BP4